The following is an entry in ClinVar:

ClinVar aggregate classification (germline): Likely benign. Review status: criteria provided, multiple submitters, no conflicts (2 of 4 stars). 2 submissions from 2 submitters: Likely benign (2). Last evaluated 2016-03-28.

Allele frequency attached by ClinVar (database versions not stated): 1000 Genomes Project 30x 0.01483; 1000 Genomes Project 0.01518; ESP Exome Variant Server 0.02001; TOPMed 0.02004; gnomAD 0.02591 and 0.02674; gnomAD exomes 0.02675; ExAC 0.02800.

Submissions (2):

Laboratory for Molecular Medicine, Mass General Brigham Personalized Medicine
Classification: Likely benign. Last evaluated: 2016-03-28. Review status: criteria provided, single submitter. Criteria: LMM Criteria. Collection method: clinical testing. Allele origin: germline.
Comment: Variant identified in a genome or exome case(s) and assessed due to predicted null impact of the variant or pathogenic assertions in the literature or databases. Disclaimer: This variant has not undergone full assessment. The following are preliminary notes: Frequency

Breakthrough Genomics
Classification: Likely benign. Review status: criteria provided, single submitter. Criteria: ACMG Guidelines, 2015. Collection method: not provided. Allele origin: germline. Inheritance: Autosomal dominant inheritance. Affected: yes.

NM_002458.3(MUC5B):c.9181T>C (p.Ser3061Pro)

Genes: MUC5B-AS1 (MUC5B antisense RNA 1; minus strand), MUC5B (mucin 5B, oligomeric mucus/gel-forming; plus strand). Cytogenetic location: 11p15.5.
Variant type: single nucleotide variant.
Coding change: c.9181T>C on transcript NM_002458.3 (MANE Select); coding-DNA position 9181, T replaced by C.
Protein change: p.Ser3061Pro; replaces serine 3061 with proline.
Molecular consequence: missense variant.
Genome position (GRCh38, 1-based): chr11:1,246,061, T>C. VCF-style: chr11-1246061-T-C. GRCh37 (hg19) VCF-style: chr11-1267291-T-C.
Other names: short protein forms S3061P.
Identifiers: ClinVar variation 403189 (VCV000403189.5), dbSNP rs189329205, ClinGen allele CA5806885.